The following is an entry in ClinVar:

NM_001271.4(CHD2):c.1436G>C (p.Gly479Ala)

Gene: CHD2 (chromodomain helicase DNA binding protein 2; plus strand). Cytogenetic location: 15q26.1.
Variant type: single nucleotide variant.
Coding change: c.1436G>C on transcript NM_001271.4 (MANE Select); coding-DNA position 1436, G replaced by C.
Protein change: p.Gly479Ala; replaces glycine 479 with alanine.
Molecular consequence: missense variant.
Genome position (GRCh38, 1-based): chr15:92,949,010, G>C. VCF-style: chr15-92949010-G-C. GRCh37 (hg19) VCF-style: chr15-93492240-G-C.
Other names: c.1436G>C, p.Gly479Ala (NM_001042572.3); short protein forms G479A.
Identifiers: ClinVar variation 2853332 (VCV002853332.3), dbSNP rs2505468762, ClinGen allele CA393904211.

ClinVar aggregate classification (germline): Uncertain significance (1 of 4 stars; one submission).

Conditions:
Developmental and epileptic encephalopathy 94 (DEE94). Also called: CHD2-Related Neurodevelopmental Disorders; Epileptic encephalopathy, childhood-onset. Identifiers: Orphanet 1942, Orphanet 2382, MedGen C3809278, MONDO:0014150, OMIM 615369.

Allele frequency attached by ClinVar (database versions not stated): gnomAD exomes below 0.00001.
gnomAD v4.1: 1 of 1,614,046 alleles (0.000062%); highest among the groups gnomAD compares: African/African-American, 0.0013%; no homozygotes.

Submission:

Labcorp Genetics (formerly Invitae), Labcorp
Classification: Uncertain significance for Developmental and epileptic encephalopathy 94. Last evaluated: 2023-04-07. Review status: criteria provided, single submitter. Criteria: Invitae Variant Classification Sherloc (09022015). Collection method: clinical testing. Allele origin: germline.
Comment: This sequence change replaces glycine, which is neutral and non-polar, with alanine, which is neutral and non-polar, at codon 479 of the CHD2 protein (p.Gly479Ala). This variant is not present in population databases (gnomAD no frequency). This variant has not been reported in the literature in individuals affected with CHD2-related conditions. Advanced modeling of protein sequence and biophysical properties (such as structural, functional, and spatial information, amino acid conservation, physicochemical variation, residue mobility, and thermodynamic stability) performed at Invitae indicates that this missense variant is not expected to disrupt CHD2 protein function. In summary, the available evidence is currently insufficient to determine the role of this variant in disease. Therefore, it has been classified as a Variant of Uncertain Significance.